The following is an entry in ClinVar:

NM_001371596.2(MFSD8):c.1214_1215dup (p.Ala406fs)

Gene: MFSD8 (major facilitator superfamily domain containing 8; minus strand). Cytogenetic location: 4q28.2.
Variant type: Duplication.
Coding change: c.1214_1215dup on transcript NM_001371596.2 (MANE Select); coding-DNA positions 1214 to 1215, 2 bases duplicated (AA; older notation c.1214_1215dupAA).
Protein change: p.Ala406fs; shifts the reading frame from alanine 406.
Molecular consequence: frameshift variant. On other transcripts: 3 prime UTR variant (1).
Genome position (GRCh38, 1-based): chr4:127,921,659-127,921,660, TT duplicated on the plus strand (AA on the coding strand, the reverse complement: MFSD8 is on the minus strand). VCF-style (leftmost placement, unchanged base first): chr4-127921658-C-CTT. GRCh37 (hg19) VCF-style: chr4-128842813-C-CTT.
Other names: c.1013_1014dup, p.Ala339fs (NM_001363520.3); c.899_900dup, p.Ala301fs (NM_001363521.3); c.1079_1080dup, p.Ala361fs (NM_001371590.2); c.1214_1215dup, p.Ala406fs (NM_001371591.2, NM_152778.4); c.1220_1221dup, p.Ala408fs (NM_001371592.2); c.1100_1101dup, p.Ala368fs (NM_001371593.2); c.1067_1068dup, p.Ala357fs (NM_001371594.2); c.932_933dup, p.Ala312fs (NM_001371595.1); and 2 more; short protein forms A256fs, A301fs, A312fs, A339fs, A357fs, A361fs, A368fs, A406fs.
Identifiers: ClinVar variation 3625812 (VCV003625812.2).

ClinVar aggregate classification (germline): Pathogenic (1 of 4 stars; one submission).

Conditions:
Neuronal ceroid lipofuscinosis 7 (CLN7). Also called: MFSD8-Related Neuronal Ceroid-Lipofuscinosis. Identifiers: Orphanet 168491, Orphanet 228366, MedGen C1838571, MONDO:0012588, OMIM 610951.

Submission:

Labcorp Genetics (formerly Invitae), Labcorp
Classification: Pathogenic for Neuronal ceroid lipofuscinosis 7. Last evaluated: 2025-02-09. Review status: criteria provided, single submitter. Criteria: Invitae Variant Classification Sherloc (09022015). Collection method: clinical testing. Allele origin: germline.
Comment: This sequence change creates a premature translational stop signal (p.Ala406Lysfs*9) in the MFSD8 gene. It is expected to result in an absent or disrupted protein product. Loss-of-function variants in MFSD8 are known to be pathogenic (PMID: 19177532, 25227500, 28586915). This variant is not present in population databases (gnomAD no frequency). This variant has not been reported in the literature in individuals affected with MFSD8-related conditions. For these reasons, this variant has been classified as Pathogenic.

Literature cited by the submitters: PubMed 19177532; PubMed 25227500; PubMed 28586915.